The following is an entry in ClinVar:

NM_016247.4(IMPG2):c.65G>A (p.Gly22Glu)

Gene: IMPG2 (interphotoreceptor matrix proteoglycan 2; minus strand). Cytogenetic location: 3q12.3.
Variant type: single nucleotide variant.
Coding change: c.65G>A on transcript NM_016247.4 (MANE Select); coding-DNA position 65, G replaced by A.
Protein change: p.Gly22Glu; replaces glycine 22 with glutamic acid.
Molecular consequence: missense variant.
Genome position (GRCh38, 1-based): chr3:101,320,308, C>T on the plus strand (G>A on the coding strand, the complement: IMPG2 is on the minus strand). VCF-style: chr3-101320308-C-T. GRCh37 (hg19) VCF-style: chr3-101039152-C-T.
Other names: c.65G>A (NM_016247.3); short protein forms G22E.
Identifiers: ClinVar variation 1375296 (VCV001375296.10), dbSNP rs765940937, ClinGen allele CA2519575.
Genomic context (GRCh38, chr3:101,320,308, plus strand): 5'-AGATATGGAAAGATAAAAACAAATGTAGATTTTTAAATACCTGTTAATGATGGAAAGTCT[C>T]CTTCTATCAGGACAAATATCAAAATACCCAGAGAAATCTTCCCAAAAAGAGGAAACATAA-3'
Protein context (NP_057331.2, residues 12-32): LGILIFVLIE[Gly22Glu]DFPSLTAQTY

ClinVar aggregate classification (germline): Uncertain significance. Review status: criteria provided, multiple submitters, no conflicts (2 of 4 stars). 3 submissions from 3 submitters: Uncertain significance (3). Last evaluated 2024-06-30.

Conditions:
Inborn genetic diseases. Identifiers: MedGen C0950123, MeSH D030342.

Allele frequency attached by ClinVar (database versions not stated): TOPMed below 0.00001; ExAC 0.00001; gnomAD exomes 0.00001 and 0.00003.
gnomAD v4.1: 40 of 1,591,986 alleles (0.0025%); highest among the groups gnomAD compares: Non-Finnish European, 0.0034%; no homozygotes.

Submissions (3):

Ambry Genetics
Classification: Uncertain significance for Inborn genetic diseases. Last evaluated: 2024-06-30. Review status: criteria provided, single submitter. Criteria: Ambry Variant Classification Scheme 2023. Collection method: clinical testing. Allele origin: germline.

Blueprint Genetics
Classification: Uncertain significance. Last evaluated: 2024-03-16. Review status: criteria provided, single submitter. Criteria: ACMG Guidelines, 2015. Collection method: clinical testing. Allele origin: germline.

Labcorp Genetics (formerly Invitae), Labcorp
Classification: Uncertain significance. Last evaluated: 2022-11-22. Review status: criteria provided, single submitter. Criteria: Invitae Variant Classification Sherloc (09022015). Collection method: clinical testing. Allele origin: germline.
Comment: In summary, the available evidence is currently insufficient to determine the role of this variant in disease. Therefore, it has been classified as a Variant of Uncertain Significance. Algorithms developed to predict the effect of missense changes on protein structure and function output the following: SIFT: "Deleterious"; PolyPhen-2: "Benign"; Align-GVGD: "Class C0". The glutamic acid amino acid residue is found in multiple mammalian species, which suggests that this missense change does not adversely affect protein function. ClinVar contains an entry for this variant (Variation ID: 1375296). This variant has not been reported in the literature in individuals affected with IMPG2-related conditions. This variant is present in population databases (rs765940937, gnomAD 0.002%). This sequence change replaces glycine, which is neutral and non-polar, with glutamic acid, which is acidic and polar, at codon 22 of the IMPG2 protein (p.Gly22Glu).